The following is an entry in ClinVar:

ClinVar aggregate classification (germline): Pathogenic (1 of 4 stars; one submission).

Submission:

Labcorp Genetics (formerly Invitae), Labcorp
Classification: Pathogenic. Last evaluated: 2022-11-28. Review status: criteria provided, single submitter. Criteria: Invitae Variant Classification Sherloc (09022015). Collection method: clinical testing. Allele origin: germline.
Comment: For these reasons, this variant has been classified as Pathogenic. A similar copy number variant has been observed in individual(s) with clinical features of Donnai-Barrow syndrome (Invitae). In at least one individual the data is consistent with being in trans (on the opposite chromosome) from a pathogenic variant. This variant results in a copy number gain of the genomic region encompassing exon(s) 51-71 of the LRP2 gene. While the exact position of this variant cannot be determined from the data, sub-genic copy number gains are generally in tandem (PMID: 25640679). This variant is predicted to be out-of-frame, and may result in an absent or disrupted protein product. Loss-of-function variants in LRP2 are known to be pathogenic (PMID: 17632512, 25682901).

Literature cited by the submitters: PubMed 25640679; PubMed 17632512; PubMed 25682901.

NC_000002.11:g.(?_169999164)_(170038849_?)dup

Gene: LRP2 (LDL receptor related protein 2; minus strand). Cytogenetic location: 2q31.1.
Variant type: Duplication.
Identifiers: ClinVar variation 2425147 (VCV002425147.4).